The following is an entry in ClinVar:

NM_006796.3(AFG3L2):c.2314C>A (p.Leu772Ile)

Genes: AFG3L2 (AFG3 like matrix AAA peptidase subunit 2; minus strand), TUBB6 (tubulin beta 6 class V; plus strand). Cytogenetic location: 18p11.21.
Variant type: single nucleotide variant.
Coding change: c.2314C>A on transcript NM_006796.3 (MANE Select); coding-DNA position 2314, C replaced by A.
Protein change: p.Leu772Ile; replaces leucine 772 with isoleucine.
Molecular consequence: missense variant. On other transcripts: 3 prime UTR variant (1).
Genome position (GRCh38, 1-based): chr18:12,329,645, G>T on the plus strand (C>A on the coding strand, the complement: AFG3L2 is on the minus strand). VCF-style: chr18-12329645-G-T. GRCh37 (hg19) VCF-style: chr18-12329644-G-T.
Other names: c.*462G>T (NM_001303525.2); short protein forms L772I.
Identifiers: ClinVar variation 1256165 (VCV001256165.10), dbSNP rs117182113, ClinGen allele CA8896227.

ClinVar aggregate classification (germline): Uncertain significance. Review status: criteria provided, multiple submitters, no conflicts (2 of 4 stars). 4 submissions from 4 submitters: Uncertain significance (4). Last evaluated 2025-09-26.

Conditions:
Spastic ataxia 5. Also called: Spastic Ataxia Type 5 (SPAX5). Identifiers: Orphanet 313772, MedGen C3280977, MONDO:0013776, OMIM 614487.
Optic atrophy 12. Also called: Optic Atrophy Type 12 (OPA12). Identifiers: MedGen C5436534, MONDO:0033549, OMIM 618977.
Spinocerebellar ataxia type 28 (SCA28). Also called: Spinocerebellar Ataxia Type 28 (SCA28). Identifiers: Orphanet 101109, MedGen C1853249, MONDO:0012450, OMIM 610246.

Allele frequency attached by ClinVar (database versions not stated): 1000 Genomes Project 0.00040; 1000 Genomes Project 30x 0.00062.
gnomAD v4.1: 144 of 1,614,156 alleles (0.0089%); highest among the groups gnomAD compares: Admixed American, 0.05%; no homozygotes.

Submissions (4):

GeneDx
Classification: Uncertain significance. Last evaluated: 2025-09-26. Review status: criteria provided, single submitter. Criteria: GeneDx Variant Classification Process June 2021. Collection method: clinical testing. Allele origin: germline. Affected: yes.
Comment: In silico analysis suggests that this missense variant does not alter protein structure/function; Has not been previously published as pathogenic or benign to our knowledge

Labcorp Genetics (formerly Invitae), Labcorp
Classification: Uncertain significance. Last evaluated: 2025-05-13. Review status: criteria provided, single submitter. Criteria: Invitae Variant Classification Sherloc (09022015). Collection method: clinical testing. Allele origin: germline.
Comment: This sequence change replaces leucine, which is neutral and non-polar, with isoleucine, which is neutral and non-polar, at codon 772 of the AFG3L2 protein (p.Leu772Ile). This variant is present in population databases (rs117182113, gnomAD 0.008%). This variant has not been reported in the literature in individuals affected with AFG3L2-related conditions. ClinVar contains an entry for this variant (Variation ID: 1256165). Invitae Evidence Modeling of protein sequence and biophysical properties (such as structural, functional, and spatial information, amino acid conservation, physicochemical variation, residue mobility, and thermodynamic stability) has been performed for this missense variant. However, the output from this modeling did not meet the statistical confidence thresholds required to predict the impact of this variant on AFG3L2 protein function. In summary, the available evidence is currently insufficient to determine the role of this variant in disease. Therefore, it has been classified as a Variant of Uncertain Significance.

Athena Diagnostics
Classification: Uncertain significance. Last evaluated: 2022-08-29. Review status: criteria provided, single submitter. Criteria: Athena Diagnostics Criteria. Collection method: clinical testing. Allele origin: unknown.

Fulgent Genetics
Classification: Uncertain significance for Spinocerebellar ataxia type 28; Spastic ataxia 5; Optic atrophy 12. Last evaluated: 2022-01-13. Review status: criteria provided, single submitter. Criteria: ACMG Guidelines, 2015. Collection method: clinical testing. Allele origin: unknown.